The following is an entry in ClinVar:

NM_000552.5(VWF):c.2446C>T (p.Arg816Trp)

Gene: VWF (von Willebrand factor; minus strand). Cytogenetic location: 12p13.31.
Variant type: single nucleotide variant.
Coding change: c.2446C>T on transcript NM_000552.5 (MANE Select); coding-DNA position 2446, C replaced by T.
Protein change: p.Arg816Trp; replaces arginine 816 with tryptophan.
Molecular consequence: missense variant.
Genome position (GRCh38, 1-based): chr12:6,036,488, G>A on the plus strand (C>T on the coding strand, the complement: VWF is on the minus strand). VCF-style: chr12-6036488-G-A. GRCh37 (hg19) VCF-style: chr12-6145654-G-A.
Other names: ARG53TRP; NM_000552.5(VWF):c.2446C>T; c.2446C>T (NM_000552.4); short protein forms R816W.
Identifiers: ClinVar variation 295 (VCV000000295.15), dbSNP rs121964894, ClinGen allele CA114137.

ClinVar aggregate classification (germline): Pathogenic. Review status: reviewed by expert panel (3 of 4 stars). 9 submissions from 9 submitters: Pathogenic (1). 8 of the submissions do not count toward it. Last evaluated 2024-07-09.

Conditions:
VWF-related disorder. Also called: VWF-related disorders; VWF-related condition.
von Willebrand disease type 2 (VWD2). Also called: VWD, TYPE 2; VON WILLEBRAND DISEASE, TYPE 2A/IIE; VON WILLEBRAND DISEASE, TYPE 2CB; VON WILLEBRAND DISEASE, TYPE II. Identifiers: Orphanet 166081, Orphanet 903, MedGen C1264040, MONDO:0013304, OMIM 613554.
von Willebrand disease type 1 (VWD1). Also called: VWD, TYPE 1; VON WILLEBRAND DISEASE, TYPE I. Identifiers: Orphanet 166078, Orphanet 903, MedGen C1264039, MONDO:0008668, OMIM 193400. Inheritance: autosomal recessive or autosomal dominant.
von Willebrand disease type 3 (VWD3). Also called: Type 3 Von Willebrand's disease; Type 3 VWD; Von Willebrand disease, severe form; V WD3; VON WILLEBRAND DISEASE, TYPE III. Identifiers: Orphanet 166096, MedGen C1264041, MONDO:0010191, OMIM 277480.
Hereditary von Willebrand disease. Identifiers: Orphanet 903, MedGen C5703318, MONDO:0019565. Inheritance: Autosomal recessive or Autosomal dominant.
von Willebrand disease type 2N (VWD2N). Identifiers: Orphanet 166093, MedGen C1282975, MONDO:0015631.

Allele frequency attached by ClinVar (database versions not stated): ExAC 0.00002; gnomAD exomes 0.00002 and 0.00006; gnomAD 0.00004; TOPMed 0.00005.
gnomAD v4.1: 32 of 1,613,930 alleles (0.002%); highest among the groups gnomAD compares: Admixed American, 0.017%; no homozygotes.

Submissions (9):

ClinGen von Willebrand Disease Variant Curation Expert Panel, ClinGen
Classification: Pathogenic for von Willebrand disease type 2N. Last evaluated: 2024-07-09. Review status: reviewed by expert panel. Criteria: ClinGen VWD 2N Rules. Collection method: curation. Allele origin: germline. Inheritance: Autosomal recessive inheritance.
Comment: The NM_000552.5:c.2446C>T variant in VWF is a missense variant predicted to cause substitution of arginine by tryptophan at amino acid 816. The Grpmax filtering allele frequency in gnomAD v4.1 is 0.00009000 (based on 10/59984 alleles in the Admixed American population), which is lower than the ClinGen VWD VCEP threshold of <0.005 (PM2_Supporting). At least 8 patients with this variant displayed excessive mucocutaneous bleeding as well as low FVIII activity (1.3% or 9.8%) and decreased VWF:FVIII binding (0.00 to 0.1), which is highly specific for VWD type 2N (PMID: 28536718, PMID: 1832934, PMID: 28971901), (PP4_Moderate). Five individuals were homozygous for the variant (PM3) and three were compound heterozygous (PMID: 28536718, PMID: 28971901, PMID: 1832934). The variant has been reported to segregate with VWD type 2N in a proband plus two affected family members (PP1_moderate; PMID: 1832934). A hydrodynamic mouse model showed prolonged bleeding time, reduced factor VIII stability, and impaired binding of factor VIII to VWF, indicating that this variant has a damaging effect on protein function (PMID: 28581694)(PS3). The computational predictor REVEL gives a score of 0.756, which is above the ClinGen VWD VCEP threshold of >0.644 and predicts a damaging effect on VWF function (PP3). In summary, this variant meets the criteria to be classified as Pathogenic for von Willebrand disease type 2N. ACMG/AMP criteria applied as specified by the ClinGen von Willebrand disease Variant Curation Expert Panel: PM3, PP1_Moderate, PP3, PP4_Moderate, PS3, PM2_Supporting.

Revvity Omics, Revvity
Classification: Likely pathogenic. Last evaluated: 2023-09-01. Review status: criteria provided, single submitter. Criteria: ACMG Guidelines, 2015. Collection method: clinical testing. Allele origin: germline. Not counted in ClinVar's aggregate classification.

GeneDx
Classification: Pathogenic. Last evaluated: 2023-07-15. Review status: criteria provided, single submitter. Criteria: GeneDx Variant Classification Process June 2021. Collection method: clinical testing. Allele origin: germline. Affected: yes. Not counted in ClinVar's aggregate classification.
Comment: Published functional studies demonstrate a damaging effect, including greatly decreased FVIIIB binding (van den Biggelaar et al., 2009; Qin et al., 2014); In silico analysis supports that this missense variant has a deleterious effect on protein structure/function; Also reported as R53W due to the use of alternative nomenclature; This variant is associated with the following publications: (PMID: 34708896, 26210168, 18728373, 1832934, 7847341, 28971901, 26988807, 21534937, 19088379, 31589614, 24351655)

Blueprint Genetics
Classification: Pathogenic for VWF-related disorders. Last evaluated: 2022-07-20. Review status: criteria provided, single submitter. Criteria: ACMG Guidelines, 2015. Collection method: clinical testing. Allele origin: germline. Affected: yes. Observed: 5 variant alleles. Not counted in ClinVar's aggregate classification.

Laboratory for Molecular Medicine, Mass General Brigham Personalized Medicine
Classification: Pathogenic for Hereditary von Willebrand disease. Last evaluated: 2019-05-08. Review status: criteria provided, single submitter. Criteria: LMM Criteria. Collection method: clinical testing. Allele origin: germline. Inheritance: Autosomal recessive inheritance. Observed: 1 variant allele. Not counted in ClinVar's aggregate classification.
Comment: The p.Arg816Trp variant in VWF has been reported in 6 homozygous, 4 compound heterozygous, and 2 heterozygous (only 1 allele identified) individuals with von Willebrand disease (VWD) and segregated with disease in at least 2 affected individuals from 1 family (Gaucher 1991, Johansson 2011, Qin 2014, Argyris 2016, Fidalgo 2016, Borras 2017). It has also been identified in 9/35418 Latino chromosomes by gnomAD. However, this frequency is low enough to be consistent with a recessive carrier frequency. Computational prediction tools and conservation analysis suggest that this variant may impact the protein, though this information is not predictive enough to determine pathogenicity. In vitro functional studies support an impact on protein function (Qin 2004). In summary, this variant meets criteria to be classified as pathogenic for autosomal recessive VWD. ACMG/AMP criteria applied: PM3_VeryStrong, PP1_Moderate, PM2_Supporting, PP3, PS3_Supporting.

Juno Genomics, Hangzhou Juno Genomics, Inc
Classification: Pathogenic for von Willebrand disease type 1; von Willebrand disease type 3; von Willebrand disease type 2. Review status: criteria provided, single submitter. Criteria: ACMG Guidelines, 2015. Collection method: clinical testing. Allele origin: germline. Affected: yes. Not counted in ClinVar's aggregate classification.
Comment: Absent from controls (or at extremely low frequency if recessive) in Genome Aggregation Database, Exome Sequencing Project, 1000 Genomes Project, or Exome Aggregation Consortium.;For recessive disorders, detected in trans with a pathogenic variant.;Well-established in vitro or in vivo functional studies supportive of a damaging effect on the gene or gene product.

OMIM
Classification: Pathogenic for VON WILLEBRAND DISEASE, TYPE 2N. Last evaluated: 2010-05-01. Review status: no assertion criteria provided. Collection method: literature only. Allele origin: germline. Not counted in ClinVar's aggregate classification.

Academic Unit of Haematology, University of Sheffield
No classification provided. Review status: no classification provided. Collection method: not provided. Allele origin: not provided. Not counted in ClinVar's aggregate classification.

GeneReviews
No classification provided. Condition: von Willebrand disorder. Review status: no classification provided. Collection method: literature only. Allele origin: germline. Not counted in ClinVar's aggregate classification.

Literature cited by the submitters: PubMed 28581694 (cited by ClinGen von Willebrand Disease Variant Curation Expert Panel, ClinGen); PubMed 21534937 (cited by Laboratory for Molecular Medicine, Mass General Brigham Personalized Medicine); PubMed 26210168 (cited by Laboratory for Molecular Medicine, Mass General Brigham Personalized Medicine); PubMed 28971901 (cited by Laboratory for Molecular Medicine, Mass General Brigham Personalized Medicine); PubMed 26988807 (cited by Laboratory for Molecular Medicine, Mass General Brigham Personalized Medicine); PubMed 24351655 (cited by Laboratory for Molecular Medicine, Mass General Brigham Personalized Medicine); PubMed 1832934 (cited by Laboratory for Molecular Medicine, Mass General Brigham Personalized Medicine and OMIM); PubMed 20409624 (cited by OMIM); NCBI Bookshelf NBK7014 (cited by GeneReviews).